The following is an entry in ClinVar:

ClinVar aggregate classification (germline): Uncertain significance. Review status: criteria provided, multiple submitters, no conflicts (2 of 4 stars). 2 submissions from 2 submitters: Uncertain significance (2). Last evaluated 2025-01-08.

Conditions:
Hereditary cancer-predisposing syndrome. Also called: Tumor predisposition; Hereditary neoplastic syndrome; Hereditary Cancer Syndrome; Neoplastic Syndromes, Hereditary. Identifiers: Orphanet 140162, MedGen C0027672, MeSH D009386, MONDO:0015356.

Submissions (2):

Ambry Genetics
Classification: Uncertain significance for Hereditary cancer-predisposing syndrome. Last evaluated: 2025-01-08. Review status: criteria provided, single submitter. Criteria: Ambry Variant Classification Scheme 2023. Collection method: clinical testing. Allele origin: germline.
Comment: The p.A191V variant (also known as c.572C>T), located in coding exon 4 of the CTNNA1 gene, results from a C to T substitution at nucleotide position 572. The alanine at codon 191 is replaced by valine, an amino acid with similar properties. This amino acid position is conserved. In addition, the in silico prediction for this alteration is inconclusive. Based on the available evidence, the clinical significance of this variant remains unclear.

Labcorp Genetics (formerly Invitae), Labcorp
Classification: Uncertain significance. Last evaluated: 2022-08-23. Review status: criteria provided, single submitter. Criteria: Invitae Variant Classification Sherloc (09022015). Collection method: clinical testing. Allele origin: germline.
Comment: This sequence change replaces alanine, which is neutral and non-polar, with valine, which is neutral and non-polar, at codon 191 of the CTNNA1 protein (p.Ala191Val). This variant is not present in population databases (gnomAD no frequency). This variant has not been reported in the literature in individuals affected with CTNNA1-related conditions. ClinVar contains an entry for this variant (Variation ID: 1465441). Algorithms developed to predict the effect of missense changes on protein structure and function are either unavailable or do not agree on the potential impact of this missense change (SIFT: "Deleterious"; PolyPhen-2: "Benign"; Align-GVGD: "Class C0"). Algorithms developed to predict the effect of sequence changes on RNA splicing suggest that this variant may create or strengthen a splice site. In summary, the available evidence is currently insufficient to determine the role of this variant in disease. Therefore, it has been classified as a Variant of Uncertain Significance.

NM_001903.5(CTNNA1):c.572C>T (p.Ala191Val)

Gene: CTNNA1 (catenin alpha 1; plus strand). Cytogenetic location: 5q31.2.
Variant type: single nucleotide variant.
Coding change: c.572C>T on transcript NM_001903.5 (MANE Select); coding-DNA position 572, C replaced by T.
Protein change: p.Ala191Val; replaces alanine 191 with valine.
Molecular consequence: missense variant.
Genome position (GRCh38, 1-based): chr5:138,812,286, C>T. VCF-style: chr5-138812286-C-T. GRCh37 (hg19) VCF-style: chr5-138147975-C-T.
Other names: c.572C>T (NM_001903.2); c.572C>T, p.Ala191Val (NM_001290307.3, NM_001323982.2, NM_001323983.1 and 3 more transcripts); c.263C>T, p.Ala88Val (NM_001290309.3); c.203C>T, p.Ala68Val (NM_001290310.3); short protein forms A191V, A88V, A68V.
Identifiers: ClinVar variation 1465441 (VCV001465441.7), dbSNP rs2149736846, ClinGen allele CA361125624.